The following is an entry in ClinVar:

ClinVar aggregate classification (germline): Uncertain significance (1 of 4 stars; one submission).

Conditions:
Inborn genetic diseases. Identifiers: MedGen C0950123, MeSH D030342.

Allele frequency attached by ClinVar (database versions not stated): TOPMed below 0.00001.
gnomAD v4.1: 2 of 1,614,194 alleles (0.00012%); highest among the groups gnomAD compares: East Asian, 0.0022%; no homozygotes.

Submission:

Ambry Genetics
Classification: Uncertain significance for Inborn genetic diseases. Last evaluated: 2021-12-21. Review status: criteria provided, single submitter. Criteria: Ambry Variant Classification Scheme 2023. Collection method: clinical testing. Allele origin: germline.
Comment: The p.P2597S variant (also known as c.7789C>T), located in coding exon 28 of the WNK1 gene, results from a C to T substitution at nucleotide position 7789. The proline at codon 2597 is replaced by serine, an amino acid with similar properties. This amino acid position is well conserved in available vertebrate species. In addition, this alteration is predicted to be tolerated by in silico analysis. Since supporting evidence is limited at this time, the clinical significance of this alteration remains unclear.

NM_018979.4(WNK1):c.7033C>T (p.Pro2345Ser)

Gene: WNK1 (WNK lysine deficient protein kinase 1; plus strand). Cytogenetic location: 12p13.33.
Variant type: single nucleotide variant.
Coding change: c.7033C>T on transcript NM_018979.4 (MANE Select); coding-DNA position 7033, C replaced by T.
Protein change: p.Pro2345Ser; replaces proline 2345 with serine.
Molecular consequence: missense variant.
Genome position (GRCh38, 1-based): chr12:908,676, C>T. VCF-style: chr12-908676-C-T. GRCh37 (hg19) VCF-style: chr12-1017842-C-T.
Other names: c.7813C>T, p.Pro2605Ser (NM_001184985.2); c.6289C>T, p.Pro2097Ser (NM_014823.3); c.7789C>T, p.Pro2597Ser (NM_213655.5); short protein forms P2597S, P2605S, P2097S, P2345S.
Identifiers: ClinVar variation 1760625 (VCV001760625.2), dbSNP rs766617331, ClinGen allele CA383341201.